The following is an entry in ClinVar:

ClinVar aggregate classification (germline): Pathogenic. Review status: criteria provided, multiple submitters, no conflicts (2 of 4 stars). 3 submissions from 3 submitters: Pathogenic (2). 1 of the submissions does not count toward it. Last evaluated 2019-09-25.

Conditions:
Breast-ovarian cancer, familial, susceptibility to, 2 (BROVCA2). Also called: BRCA2 Hereditary Breast and Ovarian Cancer. Identifiers: Orphanet 145, MedGen C2675520, MONDO:0012933, OMIM 612555. Disease mechanism: loss of function.
Hereditary cancer-predisposing syndrome. Also called: Hereditary neoplastic syndrome; Neoplastic Syndromes, Hereditary; Tumor predisposition; Hereditary Cancer Syndrome. Identifiers: Orphanet 140162, MedGen C0027672, MeSH D009386, MONDO:0015356.

Submissions (3):

Ambry Genetics
Classification: Pathogenic for Hereditary cancer-predisposing syndrome. Last evaluated: 2019-09-25. Review status: criteria provided, single submitter. Criteria: Ambry Variant Classification Scheme 2023. Collection method: clinical testing. Allele origin: germline.
Comment: The c.67+1delG intronic pathogenic mutation, located in intron 1 of the BRCA2 gene, results from a deletion of one nucleotide within intron 1 of the BRCA2 gene. This alteration was identified in a large, worldwide study of BRCA1/2 mutation positive families (Rebbeck TR et al. Hum. Mutat., 2018 05;39:593-620). In addition to the clinical data presented in the literature, alterations that disrupt the canonical splice site are expected to cause aberrant splicing, resulting in an abnormal protein or a transcript that is subject to nonsense-mediated mRNA decay. RNA studies have demonstrated this alteration results in abnormal splicing in the set of samples tested (Ambry internal data). In addition, close match alterations BRCA2 c.67+1G>T and BRCA2 c.67+3A>G are known to cause a similar splice defect and at least one is identified in a compound heterozygous state in a patient with Fanconi Anemia (Houdayer C et al. Hum. Mutat., 2012 Aug;33:1228-38; Parsons MT et al. Mol. Carcinog. 2015 Jul;54(7):513-22; Feben C et al. Fam. Cancer 2017 07;16(3):441-446). Based on the majority of available evidence to date, this variant is classified as a disease-causing mutation.

Consortium of Investigators of Modifiers of BRCA1/2 (CIMBA), c/o University of Cambridge
Classification: Pathogenic for Breast-ovarian cancer, familial, susceptibility to, 2. Last evaluated: 2015-10-02. Review status: criteria provided, single submitter. Criteria: CIMBA Mutation Classification guidelines May 2016. Collection method: clinical testing. Allele origin: germline.

BRCAlab, Lund University
Classification: Pathogenic for Breast-ovarian cancer, familial, susceptibility to, 2. Last evaluated: 2022-08-26. Review status: no assertion criteria provided. Collection method: clinical testing. Allele origin: germline. Affected: yes. Not counted in ClinVar's aggregate classification.

Literature cited by the submitters: PubMed 29446198 (cited by Ambry Genetics).

NM_000059.4(BRCA2):c.67+1del

Gene: BRCA2 (BRCA2 DNA repair associated; plus strand). Cytogenetic location: 13q13.1.
Variant type: Deletion.
Coding change: c.67+1del on transcript NM_000059.4 (MANE Select); the canonical splice donor site of the intron after coding-DNA position 67, one base deleted (G; older notation c.67+1delG).
Molecular consequence: splice donor variant. On other transcripts: intron variant (1).
Genome position (GRCh38, 1-based): chr13:32,316,528, G deleted; the last of 2 consecutive G bases (chr13:32,316,527-32,316,528); deleting either gives the same sequence. VCF-style (leftmost placement, unchanged base first): chr13-32316526-AG-A. GRCh37 (hg19) VCF-style: chr13-32890663-AG-A.
Other names: c.67+1delG (NM_000059.3); c.67+1del (NM_001406720.1, NM_001406719.1, NM_001406721.1); c.-303+861del (NM_001406722.1).
Identifiers: ClinVar variation 267656 (VCV000267656.26), dbSNP rs886040931, ClinGen allele CA10602513.